The following is an entry in ClinVar:

NM_002361.4(MAG):c.1194T>C (p.Tyr398=)

Gene: MAG (myelin associated glycoprotein; plus strand). Cytogenetic location: 19q13.12.
Variant type: single nucleotide variant.
Coding change: c.1194T>C on transcript NM_002361.4 (MANE Select); coding-DNA position 1194, T replaced by C.
Protein change: p.Tyr398=; no amino-acid change (tyrosine 398 retained).
Molecular consequence: synonymous variant.
Genome position (GRCh38, 1-based): chr19:35,302,671, T>C. VCF-style: chr19-35302671-T-C. GRCh37 (hg19) VCF-style: chr19-35793574-T-C.
Other names: c.1119T>C, p.Tyr373= (NM_001199216.2); c.1194T>C, p.Tyr398= (NM_080600.3).
Identifiers: ClinVar variation 3772344 (VCV003772344.13).

ClinVar aggregate classification (germline): Likely benign (1 of 4 stars; one submission).

gnomAD v4.1: 28 of 1,614,090 alleles (0.0017%); highest among the groups gnomAD compares: Non-Finnish European, 0.0024%; no homozygotes.

Submission:

CeGaT Center for Human Genetics Tuebingen
Classification: Likely benign. Last evaluated: 2025-01-01. Review status: criteria provided, single submitter. Criteria: CeGaT Center For Human Genetics Tuebingen Variant Classification Criteria Version 2. Collection method: clinical testing. Allele origin: germline. Affected: yes. Observed: 1 variant allele.
Comment: MAG: BP4, BP7